The following is an entry in ClinVar:

NM_024577.4(SH3TC2):c.1224G>A (p.Trp408Ter)

Gene: SH3TC2 (SH3 domain and tetratricopeptide repeats 2; minus strand). Cytogenetic location: 5q32.
Variant type: single nucleotide variant.
Coding change: c.1224G>A on transcript NM_024577.4 (MANE Select); coding-DNA position 1224, G replaced by A.
Protein change: p.Trp408Ter; replaces tryptophan 408 with a stop codon.
Molecular consequence: nonsense.
Genome position (GRCh38, 1-based): chr5:149,028,508, C>T on the plus strand (G>A on the coding strand, the complement: SH3TC2 is on the minus strand). VCF-style: chr5-149028508-C-T. GRCh37 (hg19) VCF-style: chr5-148408071-C-T.
Other names: short protein forms W408*.
Identifiers: ClinVar variation 3729089 (VCV003729089.2).

ClinVar aggregate classification (germline): Pathogenic (1 of 4 stars; one submission).

Conditions:
Charcot-Marie-Tooth disease type 4. Also called: Charcot-Marie-Tooth disease, type IV; Charcot-Marie-Tooth, Type 4. Identifiers: Orphanet 64749, MedGen C4082197, MONDO:0018995.

Submission:

Labcorp Genetics (formerly Invitae), Labcorp
Classification: Pathogenic for Charcot-Marie-Tooth disease type 4. Last evaluated: 2025-01-17. Review status: criteria provided, single submitter. Criteria: Invitae Variant Classification Sherloc (09022015). Collection method: clinical testing. Allele origin: germline.
Comment: This sequence change creates a premature translational stop signal (p.Trp408*) in the SH3TC2 gene. It is expected to result in an absent or disrupted protein product. Loss-of-function variants in SH3TC2 are known to be pathogenic (PMID: 20220177, 27068304). This variant is not present in population databases (gnomAD no frequency). This variant has not been reported in the literature in individuals affected with SH3TC2-related conditions. For these reasons, this variant has been classified as Pathogenic.

Literature cited by the submitters: PubMed 20220177; PubMed 27068304.